The following is an entry in ClinVar:

ClinVar aggregate classification (germline): Uncertain significance (1 of 4 stars; one submission).

Conditions:
Mowat-Wilson syndrome (MOWS). Also called: Classic Mowat-Wilson Syndrome. Identifiers: Orphanet 2152, MedGen C1856113, MONDO:0009341, OMIM 235730.

Submission:

Labcorp Genetics (formerly Invitae), Labcorp
Classification: Uncertain significance for Mowat-Wilson syndrome. Last evaluated: 2023-01-22. Review status: criteria provided, single submitter. Criteria: Invitae Variant Classification Sherloc (09022015). Collection method: clinical testing. Allele origin: germline.
Comment: This sequence change replaces histidine, which is basic and polar, with proline, which is neutral and non-polar, at codon 328 of the ZEB2 protein (p.His328Pro). This variant is not present in population databases (gnomAD no frequency). In summary, the available evidence is currently insufficient to determine the role of this variant in disease. Therefore, it has been classified as a Variant of Uncertain Significance. Advanced modeling of protein sequence and biophysical properties (such as structural, functional, and spatial information, amino acid conservation, physicochemical variation, residue mobility, and thermodynamic stability) performed at Invitae indicates that this missense variant is expected to disrupt ZEB2 protein function. This variant has not been reported in the literature in individuals affected with ZEB2-related conditions.

NM_014795.4(ZEB2):c.983A>C (p.His328Pro)

Gene: ZEB2 (zinc finger E-box binding homeobox 2; minus strand). Cytogenetic location: 2q22.3.
Variant type: single nucleotide variant.
Coding change: c.983A>C on transcript NM_014795.4 (MANE Select); coding-DNA position 983, A replaced by C.
Protein change: p.His328Pro; replaces histidine 328 with proline.
Molecular consequence: missense variant.
Genome position (GRCh38, 1-based): chr2:144,400,204, T>G on the plus strand (A>C on the coding strand, the complement: ZEB2 is on the minus strand). VCF-style: chr2-144400204-T-G. GRCh37 (hg19) VCF-style: chr2-145157771-T-G.
Other names: c.911A>C, p.His304Pro (NM_001171653.2); short protein forms H304P, H328P.
Identifiers: ClinVar variation 2831120 (VCV002831120.3), dbSNP rs2549107188, ClinGen allele CA348713278.